The following is an entry in ClinVar:

ClinVar aggregate classification (germline): Uncertain significance (1 of 4 stars; one submission).

Conditions:
SLC2A9-related disorder. Also called: SLC2A9-related condition.

Allele frequency attached by ClinVar (database versions not stated): gnomAD 0.00001; gnomAD exomes 0.00002.
gnomAD v4.1: 27 of 1,614,024 alleles (0.0017%); highest among the groups gnomAD compares: East Asian, 0.0089%; no homozygotes.

Submission:

PreventionGenetics, part of Exact Sciences
Classification: Uncertain significance for SLC2A9-related condition. Last evaluated: 2025-06-16. Review status: criteria provided, single submitter. Criteria: ACMG Guidelines, 2015. Collection method: clinical testing. Allele origin: germline.
Comment: The SLC2A9 c.941G>A variant is predicted to result in the amino acid substitution p.Arg314His. To our knowledge, this variant has not been reported in the literature. This variant is reported in 0.00088% of alleles in individuals of European (Non-Finnish) descent in gnomAD. At this time, the clinical significance of this variant is uncertain due to the absence of conclusive functional and genetic evidence.

NM_020041.3(SLC2A9):c.941G>A (p.Arg314His)

Gene: SLC2A9 (solute carrier family 2 member 9; minus strand). Cytogenetic location: 4p16.1.
Variant type: single nucleotide variant.
Coding change: c.941G>A on transcript NM_020041.3 (MANE Select); coding-DNA position 941, G replaced by A.
Protein change: p.Arg314His; replaces arginine 314 with histidine.
Molecular consequence: missense variant.
Genome position (GRCh38, 1-based): chr4:9,920,446, C>T on the plus strand (G>A on the coding strand, the complement: SLC2A9 is on the minus strand). VCF-style: chr4-9920446-C-T. GRCh37 (hg19) VCF-style: chr4-9922070-C-T.
Other names: c.854G>A, p.Arg285His (NM_001001290.2); short protein forms R285H, R314H.
Identifiers: ClinVar variation 2635352 (VCV002635352.2), dbSNP rs200894212, ClinGen allele CA92426697.